The following is an entry in ClinVar:

NM_033380.3(COL4A5):c.2660G>T (p.Gly887Val)

Gene: COL4A5 (collagen type IV alpha 5 chain; plus strand). Cytogenetic location: Xq22.3.
Variant type: single nucleotide variant.
Coding change: c.2660G>T on transcript NM_033380.3 (MANE Select); coding-DNA position 2660, G replaced by T.
Protein change: p.Gly887Val; replaces glycine 887 with valine.
Molecular consequence: missense variant.
Genome position (GRCh38, 1-based): chrX:108,620,409, G>T. VCF-style: chrX-108620409-G-T. GRCh37 (hg19) VCF-style: chrX-107863639-G-T.
Other names: c.2660G>T, p.Gly887Val (NM_000495.5); short protein forms G887V.
Identifiers: ClinVar variation 1508191 (VCV001508191.9), dbSNP rs104886201, ClinGen allele CA258734.

ClinVar aggregate classification (germline): Pathogenic. Review status: criteria provided, multiple submitters, no conflicts (2 of 4 stars). 2 submissions from 2 submitters: Pathogenic (2). Last evaluated 2025-08-21.

Submissions (2):

Labcorp Genetics (formerly Invitae), Labcorp
Classification: Pathogenic. Last evaluated: 2025-08-21. Review status: criteria provided, single submitter. Criteria: Invitae Variant Classification Sherloc (09022015). Collection method: clinical testing. Allele origin: germline.
Comment: This sequence change replaces glycine, which is neutral and non-polar, with valine, which is neutral and non-polar, at codon 887 of the COL4A5 protein (p.Gly887Val). This variant is not present in population databases (gnomAD no frequency). This missense change has been observed in individual(s) with clinical features of Alport syndrome (PMID: 15954103; internal data). ClinVar contains an entry for this variant (Variation ID: 1508191). Invitae Evidence Modeling of protein sequence and biophysical properties (such as structural, functional, and spatial information, amino acid conservation, physicochemical variation, residue mobility, and thermodynamic stability) indicates that this missense variant is expected to disrupt COL4A5 protein function with a positive predictive value of 95%. This variant disrupts the triple helix domain of COL4A5. Glycine residues within the Gly-Xaa-Yaa repeats of the triple helix domain are required for the structure and stability of fibrillar collagens (PMID: 7695699, 8218237, 19344236). In COL4A5, missense variants at these glycine residues are significantly enriched in individuals with disease (PMID: 23720012, 27627812) compared to the general population (ExAC). This variant disrupts the p.Gly887 amino acid residue in COL4A5. Other variant(s) that disrupt this residue have been observed in individuals with COL4A5-related conditions (PMID: 20378821; internal data), which suggests that this may be a clinically significant amino acid residue. For these reasons, this variant has been classified as Pathogenic.

GeneDx
Classification: Pathogenic. Last evaluated: 2023-09-13. Review status: criteria provided, single submitter. Criteria: GeneDx Variant Classification Process June 2021. Collection method: clinical testing. Allele origin: germline. Affected: yes.
Comment: Reported in a patient with Alport syndrome in published literature (Nagel et al., 2005); clinical information was not provided; Not observed at significant frequency in large population cohorts (gnomAD); Affects a glycine residue in a Gly-X-Y motif in the triple helical region of the COL4A5 gene, where the majority of pathogenic missense variants occur, and is predicted to disrupt normal protein folding and function (HGMD; Jais et al., 2000); In silico analysis supports that this missense variant has a deleterious effect on protein structure/function; This variant is associated with the following publications: (PMID: 15954103, 24077912, 10752524)

Literature cited by the submitters: PubMed 15954103 (cited by Labcorp Genetics (formerly Invitae), Labcorp); PubMed 7695699 (cited by Labcorp Genetics (formerly Invitae), Labcorp); PubMed 8218237 (cited by Labcorp Genetics (formerly Invitae), Labcorp); PubMed 19344236 (cited by Labcorp Genetics (formerly Invitae), Labcorp); PubMed 23720012 (cited by Labcorp Genetics (formerly Invitae), Labcorp); PubMed 27627812 (cited by Labcorp Genetics (formerly Invitae), Labcorp); PubMed 20378821 (cited by Labcorp Genetics (formerly Invitae), Labcorp).